The following is an entry in ClinVar:

ClinVar aggregate classification (germline): Uncertain significance (1 of 4 stars; one submission).

Conditions:
Early-infantile DEE. Also called: Early infantile epileptic encephalopathy; Early infantile epileptic encephalopathy with suppression bursts; Ohtahara syndrome. Identifiers: Orphanet 1934, MedGen C0393706, MONDO:0800491.

Allele frequency attached by ClinVar (database versions not stated): gnomAD exomes below 0.00001; TOPMed below 0.00001; ExAC 0.00001.
gnomAD v4.1: 1 of 1,613,854 alleles (0.000062%); highest among the groups gnomAD compares: Non-Finnish European, 0.000085%; no homozygotes.

Submission:

Labcorp Genetics (formerly Invitae), Labcorp
Classification: Uncertain significance for Early-infantile DEE. Last evaluated: 2023-01-26. Review status: criteria provided, single submitter. Criteria: Invitae Variant Classification Sherloc (09022015). Collection method: clinical testing. Allele origin: germline.
Comment: In summary, the available evidence is currently insufficient to determine the role of this variant in disease. Therefore, it has been classified as a Variant of Uncertain Significance. Advanced modeling of protein sequence and biophysical properties (such as structural, functional, and spatial information, amino acid conservation, physicochemical variation, residue mobility, and thermodynamic stability) has been performed at Invitae for this missense variant, however the output from this modeling did not meet the statistical confidence thresholds required to predict the impact of this variant on SCN1A protein function. This variant has not been reported in the literature in individuals affected with SCN1A-related conditions. This variant is present in population databases (rs759094188, gnomAD 0.0009%). This sequence change replaces asparagine, which is neutral and polar, with serine, which is neutral and polar, at codon 1691 of the SCN1A protein (p.Asn1691Ser).

NM_001165963.4(SCN1A):c.5072A>G (p.Asn1691Ser)

Genes: SCN1A (sodium voltage-gated channel alpha subunit 1; minus strand), LOC102724058 (uncharacterized LOC102724058; plus strand). Cytogenetic location: 2q24.3.
Variant type: single nucleotide variant.
Coding change: c.5072A>G on transcript NM_001165963.4 (MANE Select); coding-DNA position 5072, A replaced by G.
Protein change: p.Asn1691Ser; replaces asparagine 1691 with serine.
Molecular consequence: missense variant. On other transcripts: non-coding transcript variant (1).
Genome position (GRCh38, 1-based): chr2:165,992,203, T>C on the plus strand (A>G on the coding strand, the complement: SCN1A is on the minus strand). VCF-style: chr2-165992203-T-C. GRCh37 (hg19) VCF-style: chr2-166848713-T-C.
Other names: c.4988A>G, p.Asn1663Ser (NM_001353958.2, NM_001165964.3, NM_001353957.2); c.4985A>G, p.Asn1662Ser (NM_001353960.2); c.2630A>G, p.Asn877Ser (NM_001353961.2); c.5039A>G, p.Asn1680Ser (NM_006920.6, NM_001353949.2, NM_001353950.2 and 2 more transcripts); c.5072A>G, p.Asn1691Ser (NM_001202435.3, NM_001353948.2); c.5036A>G, p.Asn1679Ser (NM_001353954.2, NM_001353955.2); short protein forms N1679S, N1680S, N1663S, N877S, N1662S, N1691S.
Identifiers: ClinVar variation 2823831 (VCV002823831.3), dbSNP rs759094188, ClinGen allele CA1942697.